The following is an entry in ClinVar:

ClinVar aggregate classification (germline): Pathogenic. Review status: criteria provided, single submitter (1 of 4 stars). 2 submissions from 2 submitters: Pathogenic (1). 1 of the submissions does not count toward it. Last evaluated 2024-08-19.

Conditions:
Developmental and epileptic encephalopathy. Identifiers: MedGen C5779964, MONDO:0100620.

Submissions (2):

GeneDx
Classification: Pathogenic. Last evaluated: 2024-08-19. Review status: criteria provided, single submitter. Criteria: GeneDx Variant Classification Process June 2021. Collection method: clinical testing. Allele origin: germline. Affected: yes.
Comment: Not observed at significant frequency in large population cohorts (gnomAD); In silico analysis supports that this missense variant has a deleterious effect on protein structure/function; This substitution is predicted to be within the extracellular loop between the S5 and S6 transmembrane segments of the fourth homologous domain; This variant is associated with the following publications: (PMID: 35431799)

Neurology Department, Shenzhen Children's Hospital
Classification: Pathogenic for Developmental and epileptic encephalopathy. Last evaluated: 2022-02-16. Review status: no assertion criteria provided. Collection method: clinical testing. Allele origin: de novo. Affected: yes. Not counted in ClinVar's aggregate classification.

NM_001040142.2(SCN2A):c.5237G>A (p.Cys1746Tyr)

Gene: SCN2A (sodium voltage-gated channel alpha subunit 2; plus strand). Cytogenetic location: 2q24.3.
Variant type: single nucleotide variant.
Coding change: c.5237G>A on transcript NM_001040142.2 (MANE Select); coding-DNA position 5237, G replaced by A.
Protein change: p.Cys1746Tyr; replaces cysteine 1746 with tyrosine.
Molecular consequence: missense variant.
Genome position (GRCh38, 1-based): chr2:165,389,043, G>A. VCF-style: chr2-165389043-G-A. GRCh37 (hg19) VCF-style: chr2-166245553-G-A.
Other names: c.5237G>A (NM_021007.2); c.5237G>A, p.Cys1746Tyr (NM_001040143.2, NM_001371246.1, NM_001371247.1 and 1 more transcripts); short protein forms C1746Y.
Identifiers: ClinVar variation 1342686 (VCV001342686.4), dbSNP rs2105402821, ClinGen allele CA349038515.